The following is an entry in ClinVar:

NM_001943.5(DSG2):c.2859G>A (p.Leu953=)

Genes: DSG2 (desmoglein 2; plus strand), DSG2-AS1 (DSG2 antisense RNA 1; minus strand). Cytogenetic location: 18q12.1.
Variant type: single nucleotide variant.
Coding change: c.2859G>A on transcript NM_001943.5 (MANE Select); coding-DNA position 2859, G replaced by A.
Protein change: p.Leu953=; no amino-acid change (leucine 953 retained).
Molecular consequence: synonymous variant.
Genome position (GRCh38, 1-based): chr18:31,546,245, G>A. VCF-style: chr18-31546245-G-A. GRCh37 (hg19) VCF-style: chr18-29126208-G-A.
Identifiers: ClinVar variation 3070750 (VCV003070750.1), dbSNP rs1297736522, ClinGen allele CA503766381.

ClinVar aggregate classification (germline): Uncertain significance (1 of 4 stars; one submission).

Conditions:
Arrhythmogenic right ventricular cardiomyopathy (ARVD). Also called: Arrhythmogenic right ventricular dysplasia; Cardiomyopathy, ARVC; Arrhythmogenic cardiomyopathy; Arrhythmogenic Right Ventricular Cardiomyopathy (ARVC). Identifiers: Orphanet 247, MedGen C0349788, MeSH D019571, MONDO:0016587. Disease mechanism: loss of function. Inheritance: Various modes of inheritance.

Allele frequency attached by ClinVar (database versions not stated): gnomAD exomes below 0.00001.
gnomAD v4.1: 2 of 1,608,164 alleles (0.00012%); highest among the groups gnomAD compares: Non-Finnish European, 0.00017%; no homozygotes.

Submission:

All of Us Research Program, National Institutes of Health
Classification: Uncertain significance for Arrhythmogenic right ventricular cardiomyopathy. Last evaluated: 2023-05-04. Review status: criteria provided, single submitter. Criteria: ACMG Guidelines, 2015. Collection method: clinical testing. Allele origin: germline. Inheritance: Autosomal dominant inheritance. Observed: 1 variant allele, 1 heterozygote.
Comment: This variant is located in the DSG2 protein. To our knowledge, functional studies have not been reported for this variant. This variant has not been reported in individuals affected with DSG2-related disorders in the literature. This variant has been identified in 1/244594 chromosomes in the general population by the Genome Aggregation Database (gnomAD). The available evidence is insufficient to determine the role of this variant in disease conclusively. Therefore, this variant is classified as a Variant of Uncertain Significance.

This study involves interpretation of variants in research participants for the purpose of population health screening. Participant phenotype was not available at the time of variant classification. Additional details can be found in publication PMID: 35346344, PMCID: PMC8962531